The following is an entry in ClinVar:

ClinVar aggregate classification (germline): Pathogenic. Review status: reviewed by expert panel (3 of 4 stars). 2 submissions from 2 submitters: Pathogenic (1). 1 of the submissions does not count toward it. Last evaluated 2013-09-05.

Conditions:
Lynch syndrome. Identifiers: Orphanet 144, MedGen C4552100, MONDO:0005835. Disease mechanism: loss of function.
Hereditary nonpolyposis colorectal neoplasms. Identifiers: MedGen C0009405, MeSH D003123.

Submissions (2):

International Society for Gastrointestinal Hereditary Tumours (InSiGHT)
Classification: Pathogenic for Lynch Syndrome. Last evaluated: 2013-09-05. Review status: reviewed by expert panel. Criteria: Guidelines v1.9. Collection method: research. Allele origin: germline.
Comment: Coding sequence variation resulting in a stop codon

Classified with v1.9 guidelines

Labcorp Genetics (formerly Invitae), Labcorp
Classification: Pathogenic for Hereditary nonpolyposis colorectal neoplasms. Last evaluated: 2021-01-10. Review status: criteria provided, single submitter. Criteria: Invitae Variant Classification Sherloc (09022015). Collection method: clinical testing. Allele origin: germline. Not counted in ClinVar's aggregate classification.
Comment: For these reasons, this variant has been classified as Pathogenic. This variant disrupts the C-terminus of the MSH6 protein. Other variant(s) that disrupt this region (p.Leu1330Valfs*12) have been determined to be pathogenic (PMID: 2440087). This suggests that variants that disrupt this region of the protein are likely to be causative of disease. This variant has been observed in individual(s) with Lynch syndrome (PMID: 28528517). ClinVar contains an entry for this variant (Variation ID: 89492). This variant is not present in population databases (ExAC no frequency). This sequence change creates a premature translational stop signal (p.Phe1323Leufs*14) in the MSH6 gene. While this is not anticipated to result in nonsense mediated decay, it is expected to disrupt the last 38 amino acid(s) of the MSH6 protein.

Literature cited by the submitters: PubMed 2440087 (cited by Labcorp Genetics (formerly Invitae), Labcorp); PubMed 28528517 (cited by Labcorp Genetics (formerly Invitae), Labcorp).

NM_000179.3(MSH6):c.3969_3979del (p.Phe1323fs)

Gene: MSH6 (mutS homolog 6; plus strand). Cytogenetic location: 2p16.3.
Variant type: Deletion.
Coding change: c.3969_3979del on transcript NM_000179.3 (MANE Select); coding-DNA positions 3969 to 3979, 11 bases deleted (TGAGAAGATGA).
Protein change: p.Phe1323fs; shifts the reading frame from phenylalanine 1323.
Molecular consequence: frameshift variant.
Genome position (GRCh38, 1-based): chr2:47,806,619-47,806,629, TGAGAAGATGA deleted. VCF-style (leftmost placement, unchanged base first): chr2-47806618-TTGAGAAGATGA-T. GRCh37 (hg19) VCF-style: chr2-48033757-TTGAGAAGATGA-T.
Other names: c.3579_3589del, p.Phe1193fs (NM_001281492.2); c.3063_3073del, p.Phe1021fs (NM_001281493.2, NM_001281494.2); short protein forms F1193fs, F1021fs.
Identifiers: ClinVar variation 89492 (VCV000089492.10), dbSNP rs587779299, ClinGen allele CA014890.